The following is an entry in ClinVar:

NM_014712.3(SETD1A):c.1234dup (p.Tyr412fs)

Gene: SETD1A (SET domain containing 1A, histone lysine methyltransferase; plus strand). Cytogenetic location: 16p11.2.
Variant type: Duplication.
Coding change: c.1234dup on transcript NM_014712.3 (MANE Select); coding-DNA position 1234, one base duplicated (T; older notation c.1234dupT).
Protein change: p.Tyr412fs; shifts the reading frame from tyrosine 412.
Molecular consequence: frameshift variant.
Genome position (GRCh38, 1-based): chr16:30,964,976, T duplicated. VCF-style (leftmost placement, unchanged base first): chr16-30964975-C-CT. GRCh37 (hg19) VCF-style: chr16-30976296-C-CT.
Other names: short protein forms Y412fs.
Identifiers: ClinVar variation 4292281 (VCV004292281.1).
Genomic context (GRCh38, chr16:30,964,975, plus strand): 5'-ACCCCCTGGAGCCCCTTTTGCTGAAAATACAGCTGAGCGCTTCCCACCTTCTTACACCTC[C>CT]TACCTGCCCCCCGAGCCCAGCCGGCCCACCGACCAGGACTACCGGCCTCCTGCCTCAGAG-3'

ClinVar aggregate classification (germline): Likely pathogenic (1 of 4 stars; one submission).

Conditions:
Neurodevelopmental disorder with speech impairment and dysmorphic facies. Identifiers: MedGen C5436699, MONDO:0033630, OMIM 619056.

Submission:

3billion
Classification: Likely pathogenic for Neurodevelopmental disorder with speech impairment and dysmorphic facies. Last evaluated: 2024-07-11. Review status: criteria provided, single submitter. Criteria: ACMG Guidelines, 2015. Collection method: clinical testing. Allele origin: germline. Affected: yes.
Comment: The variant is not observed in the gnomAD v4.0.0 dataset. Predicted Consequence/Location: Frameshift: predicted to result in a loss or disruption of normal protein function through nonsense-mediated decay (NMD) or protein truncation. Multiple pathogenic variants are reported downstream of the variant. Therefore, this variant is classified as Likely pathogenic according to the recommendation of ACMG/AMP guideline.